The following is an entry in ClinVar:

ClinVar aggregate classification (germline): Uncertain significance. Review status: criteria provided, multiple submitters, no conflicts (2 of 4 stars). 4 submissions from 4 submitters: Uncertain significance (3). 1 of the submissions does not count toward it. Last evaluated 2022-08-06.

Conditions:
Nemaline myopathy 2 (NEM2). Also called: Nemaline myopathy 2, autosomal recessive. Identifiers: MedGen C1850569, MONDO:0009725, OMIM 256030.

Allele frequency attached by ClinVar (database versions not stated): gnomAD exomes below 0.00001; TOPMed below 0.00001; gnomAD 0.00001.
gnomAD v4.1: 4 of 1,613,574 alleles (0.00025%); highest among the groups gnomAD compares: Admixed American, 0.0017%; no homozygotes.

Submissions (4):

Labcorp Genetics (formerly Invitae), Labcorp
Classification: Uncertain significance for Nemaline myopathy 2. Last evaluated: 2022-08-06. Review status: criteria provided, single submitter. Criteria: Invitae Variant Classification Sherloc (09022015). Collection method: clinical testing. Allele origin: germline.
Comment: This sequence change replaces glycine, which is neutral and non-polar, with valine, which is neutral and non-polar, at codon 141 of the NEB protein (p.Gly141Val). This variant is present in population databases (no rsID available, gnomAD 0.0009%). This variant has not been reported in the literature in individuals affected with NEB-related conditions. ClinVar contains an entry for this variant (Variation ID: 664025). Algorithms developed to predict the effect of missense changes on protein structure and function are either unavailable or do not agree on the potential impact of this missense change (SIFT: "Deleterious"; PolyPhen-2: "Not Available"; Align-GVGD: "Class C0"). In summary, the available evidence is currently insufficient to determine the role of this variant in disease. Therefore, it has been classified as a Variant of Uncertain Significance.

Revvity Omics, Revvity
Classification: Uncertain significance. Last evaluated: 2020-03-02. Review status: criteria provided, single submitter. Criteria: ACMG Guidelines, 2015. Collection method: clinical testing. Allele origin: germline.

Blueprint Genetics
Classification: Uncertain significance. Last evaluated: 2019-10-31. Review status: criteria provided, single submitter. Criteria: ACMG Guidelines, 2015. Collection method: clinical testing. Allele origin: germline.

Natera, Inc.
Classification: Uncertain significance for Nemaline myopathy type 2. Last evaluated: 2020-12-27. Review status: no assertion criteria provided. Collection method: clinical testing. Allele origin: germline. Not counted in ClinVar's aggregate classification.

NM_001164508.2(NEB):c.422G>T (p.Gly141Val)

Gene: NEB (nebulin; minus strand). Cytogenetic location: 2q23.3.
Variant type: single nucleotide variant.
Coding change: c.422G>T on transcript NM_001164508.2 (MANE Select); coding-DNA position 422, G replaced by T.
Protein change: p.Gly141Val; replaces glycine 141 with valine.
Molecular consequence: missense variant.
Genome position (GRCh38, 1-based): chr2:151,724,942, C>A on the plus strand (G>T on the coding strand, the complement: NEB is on the minus strand). VCF-style: chr2-151724942-C-A. GRCh37 (hg19) VCF-style: chr2-152581456-C-A.
Other names: c.422G>T, p.Gly141Val (NM_001164507.2, NM_001271208.2, NM_004543.5); short protein forms G141V.
Identifiers: ClinVar variation 664025 (VCV000664025.13), dbSNP rs973669056, ClinGen allele CA57651259.